The following is an entry in ClinVar:

NM_001844.5(COL2A1):c.205T>C (p.Cys69Arg)

Gene: COL2A1 (collagen type II alpha 1 chain; minus strand). Cytogenetic location: 12q13.11.
Variant type: single nucleotide variant.
Coding change: c.205T>C on transcript NM_001844.5 (MANE Select); coding-DNA position 205, T replaced by C.
Protein change: p.Cys69Arg; replaces cysteine 69 with arginine.
Molecular consequence: missense variant. On other transcripts: intron variant (1).
Genome position (GRCh38, 1-based): chr12:48,000,006, A>G on the plus strand (T>C on the coding strand, the complement: COL2A1 is on the minus strand). VCF-style: chr12-48000006-A-G. GRCh37 (hg19) VCF-style: chr12-48393789-A-G.
Other names: c.86-1575T>C (NM_033150.3); short protein forms C69R.
Identifiers: ClinVar variation 2085529 (VCV002085529.4), dbSNP rs749799023, ClinGen allele CA6536075.

ClinVar aggregate classification (germline): Uncertain significance (1 of 4 stars; one submission).

Allele frequency attached by ClinVar (database versions not stated): gnomAD exomes below 0.00001; ExAC 0.00001.
gnomAD v4.1: 5 of 1,614,206 alleles (0.00031%); highest among the groups gnomAD compares: Admixed American, 0.0033%; no homozygotes.

Submission:

Labcorp Genetics (formerly Invitae), Labcorp
Classification: Uncertain significance. Last evaluated: 2022-01-23. Review status: criteria provided, single submitter. Criteria: Invitae Variant Classification Sherloc (09022015). Collection method: clinical testing. Allele origin: germline.
Comment: This variant has not been reported in the literature in individuals affected with COL2A1-related conditions. This variant is present in population databases (rs749799023, gnomAD 0.006%). This sequence change replaces cysteine, which is neutral and slightly polar, with arginine, which is basic and polar, at codon 69 of the COL2A1 protein (p.Cys69Arg). Advanced modeling of protein sequence and biophysical properties (such as structural, functional, and spatial information, amino acid conservation, physicochemical variation, residue mobility, and thermodynamic stability) performed at Invitae indicates that this missense variant is expected to disrupt COL2A1 protein function. In summary, the available evidence is currently insufficient to determine the role of this variant in disease. Therefore, it has been classified as a Variant of Uncertain Significance.